The following is an entry in ClinVar:

ClinVar aggregate classification (germline): Likely benign. Review status: criteria provided, multiple submitters, no conflicts (2 of 4 stars). 2 submissions from 2 submitters: Likely benign (2). Last evaluated 2026-07-07.

Conditions:
Rhabdoid tumor predisposition syndrome 2 (RTPS2). Identifiers: Orphanet 231108, Orphanet 69077, MedGen C2750074, MONDO:0013224, OMIM 613325.

Allele frequency attached by ClinVar (database versions not stated): gnomAD 0.00019 and 0.00022; gnomAD exomes 0.00002; ExAC 0.00002; TOPMed 0.00016; ESP Exome Variant Server 0.00023.
gnomAD v4.1: 48 of 1,542,392 alleles (0.0031%); highest among the groups gnomAD compares: African/African-American, 0.057%; no homozygotes.

Submissions (2):

Myriad Genetics, Inc.
Classification: Likely benign for Rhabdoid tumor predisposition syndrome 2. Last evaluated: 2026-07-07. Review status: criteria provided, single submitter. Criteria: Myriad Autosomal Dominant, Autosomal Recessive and X-Linked Classification Criteria (2023). Collection method: clinical testing. Allele origin: unknown.
Comment: This variant is considered likely benign. This variant is intronic and is not expected to impact mRNA splicing.

Labcorp Genetics (formerly Invitae), Labcorp
Classification: Likely benign for Rhabdoid tumor predisposition syndrome 2. Last evaluated: 2026-01-05. Review status: criteria provided, single submitter. Criteria: Invitae Variant Classification Sherloc (09022015). Collection method: clinical testing. Allele origin: germline.

NM_003072.5(SMARCA4):c.2860-16T>C

Gene: SMARCA4 (SWI/SNF related BAF chromatin remodeling complex subunit ATPase 4; plus strand). Cytogenetic location: 19p13.2.
Variant type: single nucleotide variant.
Coding change: c.2860-16T>C on transcript NM_003072.5 (MANE Select); 16 bases into the intron before coding-DNA position 2860, T replaced by C.
Molecular consequence: intron variant.
Genome position (GRCh38, 1-based): chr19:11,023,502, T>C. VCF-style: chr19-11023502-T-C. GRCh37 (hg19) VCF-style: chr19-11134178-T-C.
Other names: c.2860-16T>C (NM_001128844.3, NM_001128849.3, NM_001128847.4 and 5 more transcripts).
Identifiers: ClinVar variation 1541329 (VCV001541329.9), dbSNP rs370627665, ClinGen allele CA9204252.
Genomic context (GRCh38, chr19:11,023,502, plus strand): 5'-TCCGCACCTTCTAGTGAGACCTCTGTCGCCCTCCTTTGGAGGTAACGCTTGCTTCTCCTG[T>C]CTTGGGGGCTTCCAGGTGGACCTGAATGAGGAGGAAACCATTCTCATCATCCGGCGTCTC-3'